The following is an entry in ClinVar:

NM_001164508.2(NEB):c.413del (p.Arg138fs)

Gene: NEB (nebulin; minus strand). Cytogenetic location: 2q23.3.
Variant type: Deletion.
Coding change: c.413del on transcript NM_001164508.2 (MANE Select); coding-DNA position 413, one base deleted (G; older notation c.413delG).
Protein change: p.Arg138fs; shifts the reading frame from arginine 138.
Molecular consequence: frameshift variant.
Genome position (GRCh38, 1-based): chr2:151,724,951, C deleted on the plus strand (G on the coding strand, the reverse complement: NEB is on the minus strand). VCF-style (leftmost placement, unchanged base first): chr2-151724950-TC-T. GRCh37 (hg19) VCF-style: chr2-152581464-TC-T.
Other names: c.413del, p.Arg138fs (NM_001164507.2, NM_001271208.2, NM_004543.5); short protein forms R138fs.
Identifiers: ClinVar variation 2129124 (VCV002129124.4), dbSNP rs2552279782, ClinGen allele CA2580064061.

ClinVar aggregate classification (germline): Pathogenic (1 of 4 stars; one submission).

Conditions:
Nemaline myopathy 2 (NEM2). Also called: Nemaline myopathy 2, autosomal recessive. Identifiers: MedGen C1850569, MONDO:0009725, OMIM 256030.

Submission:

Labcorp Genetics (formerly Invitae), Labcorp
Classification: Pathogenic for Nemaline myopathy 2. Last evaluated: 2022-04-22. Review status: criteria provided, single submitter. Criteria: Invitae Variant Classification Sherloc (09022015). Collection method: clinical testing. Allele origin: germline.
Comment: For these reasons, this variant has been classified as Pathogenic. This variant has not been reported in the literature in individuals affected with NEB-related conditions. This variant is not present in population databases (gnomAD no frequency). This sequence change creates a premature translational stop signal (p.Arg138Glnfs*13) in the NEB gene. It is expected to result in an absent or disrupted protein product. Loss-of-function variants in NEB are known to be pathogenic (PMID: 25205138).

Literature cited by the submitters: PubMed 25205138.